The following is an entry in ClinVar:

ClinVar aggregate classification (germline): Likely pathogenic (1 of 4 stars; one submission).

Allele frequency attached by ClinVar (database versions not stated): gnomAD exomes below 0.00001.
gnomAD v4.1: 6 of 1,574,134 alleles (0.00038%); highest among the groups gnomAD compares: Non-Finnish European, 0.00052%; no homozygotes.

Submission:

Labcorp Genetics (formerly Invitae), Labcorp
Classification: Likely pathogenic. Last evaluated: 2023-06-24. Review status: criteria provided, single submitter. Criteria: Invitae Variant Classification Sherloc (09022015). Collection method: clinical testing. Allele origin: germline.
Comment: In summary, the currently available evidence indicates that the variant is pathogenic, but additional data are needed to prove that conclusively. Therefore, this variant has been classified as Likely Pathogenic. Algorithms developed to predict the effect of sequence changes on RNA splicing suggest that this variant may disrupt the consensus splice site. This variant has not been reported in the literature in individuals affected with CWC27-related conditions. This variant is not present in population databases (gnomAD no frequency). This sequence change affects an acceptor splice site in intron 12 of the CWC27 gene. It is expected to disrupt RNA splicing. Variants that disrupt the donor or acceptor splice site typically lead to a loss of protein function (PMID: 16199547), and loss-of-function variants in CWC27 are known to be pathogenic (PMID: 28285769).

Literature cited by the submitters: PubMed 16199547; PubMed 28285769.

NM_005869.4(CWC27):c.1153-1G>C

Gene: CWC27 (CWC27 spliceosome associated cyclophilin; plus strand). Cytogenetic location: 5q12.3.
Variant type: single nucleotide variant.
Coding change: c.1153-1G>C on transcript NM_005869.4 (MANE Select); the canonical splice acceptor site of the intron before coding-DNA position 1153, G replaced by C.
Molecular consequence: splice acceptor variant. On other transcripts: intron variant (1).
Genome position (GRCh38, 1-based): chr5:64,977,134, G>C. VCF-style: chr5-64977134-G-C. GRCh37 (hg19) VCF-style: chr5-64272961-G-C.
Other names: c.1152+5322G>C (NM_001297644.1).
Identifiers: ClinVar variation 2962565 (VCV002962565.3), dbSNP rs2531530527, ClinGen allele CA359963683.